The following is an entry in ClinVar:

NM_001458.5(FLNC):c.2391C>T (p.Gly797=)

Gene: FLNC (filamin C; plus strand). Cytogenetic location: 7q32.1.
Variant type: single nucleotide variant.
Coding change: c.2391C>T on transcript NM_001458.5 (MANE Select); coding-DNA position 2391, C replaced by T.
Protein change: p.Gly797=; no amino-acid change (glycine 797 retained).
Molecular consequence: synonymous variant.
Genome position (GRCh38, 1-based): chr7:128,842,795, C>T. VCF-style: chr7-128842795-C-T. GRCh37 (hg19) VCF-style: chr7-128482849-C-T.
Other names: c.2391C>T, p.Gly797= (NM_001127487.2).
Identifiers: ClinVar variation 569901 (VCV000569901.13), dbSNP rs374768092, ClinGen allele CA4474721.
Genomic context (GRCh38, chr7:128,842,795, plus strand): 5'-CGGGGGTGAGTCGAGTCGGGGGCTGAGCCCAACTCACAGCAGTGCCCGCTTCTCTGCAGG[C>T]GACGTGAGCATCGGCATCAAGTGCGCCCCAGGCGTGGTGGGCCCTGCAGAGGCTGACATT-3'
Protein context (NP_001449.3, residues 787-807): FTVDCSEAGQ[Gly797=]DVSIGIKCAP

ClinVar aggregate classification (germline): Likely benign. Review status: criteria provided, multiple submitters, no conflicts (2 of 4 stars). 4 submissions from 4 submitters: Likely benign (4). Last evaluated 2026-01-26.

Conditions:
Hypertrophic cardiomyopathy 26. Also called: Cardiomyopathy, familial hypertrophic, 26. Identifiers: Orphanet 75249, MedGen C4310749, MONDO:0014883, OMIM 617047.
Distal myopathy with posterior leg and anterior hand involvement. Also called: WILLIAMS DISTAL MYOPATHY. Identifiers: Orphanet 63273, MedGen C3279722, MONDO:0013550, OMIM 614065.
Myofibrillar myopathy 5. Also called: Filaminopathy (type); FILAMINOPATHY, AUTOSOMAL DOMINANT. Identifiers: Orphanet 171445, MedGen C1836050, MONDO:0012289, OMIM 609524.
FLNC-related disorder. Also called: FLNC-related condition; FLNC-related disorders.
Cardiovascular phenotype. Identifiers: MedGen CN230736.

Allele frequency attached by ClinVar (database versions not stated): TOPMed 0.00006.
gnomAD v4.1: 59 of 1,613,344 alleles (0.0037%); highest among the groups gnomAD compares: African/African-American, 0.021%; no homozygotes.

Submissions (4):

Labcorp Genetics (formerly Invitae), Labcorp
Classification: Likely benign for Distal myopathy with posterior leg and anterior hand involvement; Myofibrillar myopathy 5; Hypertrophic cardiomyopathy 26. Last evaluated: 2026-01-26. Review status: criteria provided, single submitter. Criteria: Invitae Variant Classification Sherloc (09022015). Collection method: clinical testing. Allele origin: germline.

PreventionGenetics, part of Exact Sciences
Classification: Likely benign for FLNC-related condition. Last evaluated: 2025-06-18. Review status: criteria provided, single submitter. Criteria: ACMG Guidelines, 2015. Collection method: clinical testing. Allele origin: germline.
Comment: This variant is classified as likely benign based on ACMG/AMP sequence variant interpretation guidelines (Richards et al. 2015 PMID: 25741868, with internal and published modifications).

Blueprint Genetics
Classification: Likely benign. Last evaluated: 2024-09-09. Review status: criteria provided, single submitter. Criteria: ACMG Guidelines, 2015. Collection method: clinical testing. Allele origin: germline.

Ambry Genetics
Classification: Likely benign for Cardiovascular phenotype. Last evaluated: 2020-03-06. Review status: criteria provided, single submitter. Criteria: Ambry Variant Classification Scheme 2023. Collection method: clinical testing. Allele origin: germline.